The following is an entry in ClinVar:

ClinVar aggregate classification (germline): Pathogenic (1 of 4 stars; one submission).

Submission:

Labcorp Genetics (formerly Invitae), Labcorp
Classification: Pathogenic. Last evaluated: 2020-12-08. Review status: criteria provided, single submitter. Criteria: Invitae Variant Classification Sherloc (09022015). Collection method: clinical testing. Allele origin: germline.
Comment: For these reasons, this variant has been classified as Pathogenic. This variant has not been reported in the literature in individuals with UNC80-related conditions. This variant is not present in population databases (ExAC no frequency). This sequence change creates a premature translational stop signal (p.Asn3051Metfs*12) in the UNC80 gene. It is expected to result in an absent or disrupted protein product. Loss-of-function variants in UNC80 are known to be pathogenic (PMID: 26545877, 26708751, 26708753).

Literature cited by the submitters: PubMed 26545877; PubMed 26708751; PubMed 26708753.

NM_001371986.1(UNC80):c.9350_9356del (p.Asn3117fs)

Gene: UNC80 (unc-80 subunit of NALCN channel complex; plus strand). Cytogenetic location: 2q34.
Variant type: Deletion.
Coding change: c.9350_9356del on transcript NM_001371986.1 (MANE Select); coding-DNA positions 9350 to 9356, 7 bases deleted (ACCTCCT; older notation c.9350_9356delACCTCCT).
Protein change: p.Asn3117fs; shifts the reading frame from asparagine 3117.
Molecular consequence: frameshift variant.
Genome position (GRCh38, 1-based): chr2:209,992,201-209,992,207, ACCTCCT deleted. VCF-style (leftmost placement, unchanged base first): chr2-209992200-AACCTCCT-A. GRCh37 (hg19) VCF-style: chr2-210856924-AACCTCCT-A.
Other names: c.9152_9158del, p.Asn3051fs (NM_032504.2); c.9080_9086del, p.Asn3027fs (NM_182587.4); short protein forms N3027fs, N3117fs, N3051fs.
Identifiers: ClinVar variation 1452883 (VCV001452883.6), dbSNP rs2125032555, ClinGen allele CA2573135256.